The following is an entry in ClinVar:

ClinVar aggregate classification (germline): Uncertain significance (1 of 4 stars; one submission).

Submission:

GeneDx
Classification: Uncertain significance. Last evaluated: 2017-09-20. Review status: criteria provided, single submitter. Criteria: GeneDx Variant Classification (06012015). Collection method: clinical testing. Allele origin: germline. Affected: yes.
Comment: The P115S variant in the LGI1 gene has not been reported previously as a pathogenic variant, nor as a benign variant, to our knowledge. The P115S variant is not observed in large population cohorts (Lek et al., 2016). The P115S variant is a non-conservative amino acid substitution, which is likely to impact secondary protein structure as these residues differ in polarity, charge, size and/or other properties. This substitution occurs at a position that is conserved across species. In silico analysis is inconsistent in its predictions as to whether or not the variant is damaging to the protein structure/function. We interpret P115S as a variant of uncertain significance.

NM_005097.4(LGI1):c.343C>T (p.Pro115Ser)

Gene: LGI1 (leucine rich glioma inactivated 1; plus strand). Cytogenetic location: 10q23.33.
Variant type: single nucleotide variant.
Coding change: c.343C>T on transcript NM_005097.4 (MANE Select); coding-DNA position 343, C replaced by T.
Protein change: p.Pro115Ser; replaces proline 115 with serine.
Molecular consequence: missense variant. On other transcripts: intron variant (1).
Genome position (GRCh38, 1-based): chr10:93,777,434, C>T. VCF-style: chr10-93777434-C-T. GRCh37 (hg19) VCF-style: chr10-95537191-C-T.
Other names: c.343C>T, p.Pro115Ser (NM_001308275.2); c.288-12665C>T (NM_001308276.2); short protein forms P115S.
Identifiers: ClinVar variation 452032 (VCV000452032.2), dbSNP rs1554905042, ClinGen allele CA377620817.